The following is an entry in ClinVar:

ClinVar aggregate classification (germline): Uncertain significance. Review status: criteria provided, multiple submitters, no conflicts (2 of 4 stars). 2 submissions from 2 submitters: Uncertain significance (2). Last evaluated 2026-08-04.

Conditions:
LRRC8A-related disorder. Also called: LRRC8A-related condition.

Allele frequency attached by ClinVar (database versions not stated): ExAC 0.00001; gnomAD exomes 0.00002; TOPMed 0.00002.
gnomAD v4.1: 33 of 1,611,970 alleles (0.002%); highest among the groups gnomAD compares: Middle Eastern, 0.033%; no homozygotes.

Submissions (2):

PreventionGenetics, part of Exact Sciences
Classification: Uncertain significance for LRRC8A-related condition. Last evaluated: 2026-08-04. Review status: criteria provided, single submitter. Criteria: ACMG Guidelines, 2015. Collection method: clinical testing. Allele origin: germline.
Comment: The LRRC8A c.2156G>A variant is predicted to result in the amino acid substitution p.Arg719Gln. To our knowledge, this variant has not been reported in the literature. This variant is reported in 0.0033% of alleles in individuals of South Asian descent in gnomAD. At this time, the clinical significance of this variant is uncertain due to the absence of conclusive functional and genetic evidence.

Labcorp Genetics (formerly Invitae), Labcorp
Classification: Uncertain significance. Last evaluated: 2025-12-03. Review status: criteria provided, single submitter. Criteria: Invitae Variant Classification Sherloc (09022015). Collection method: clinical testing. Allele origin: germline.
Comment: This sequence change replaces arginine, which is basic and polar, with glutamine, which is neutral and polar, at codon 719 of the LRRC8A protein (p.Arg719Gln). This variant is present in population databases (rs751956650, gnomAD 0.003%). This variant has not been reported in the literature in individuals affected with LRRC8A-related conditions. ClinVar contains an entry for this variant (Variation ID: 2901551). An algorithm developed to predict the effect of missense changes on protein structure and function (PolyPhen-2) suggests that this variant is likely to be tolerated. In summary, the available evidence is currently insufficient to determine the role of this variant in disease. Therefore, it has been classified as a Variant of Uncertain Significance.

NM_019594.4(LRRC8A):c.2156G>A (p.Arg719Gln)

Gene: LRRC8A (leucine rich repeat containing 8 VRAC subunit A; plus strand). Cytogenetic location: 9q34.11.
Variant type: single nucleotide variant.
Coding change: c.2156G>A on transcript NM_019594.4 (MANE Select); coding-DNA position 2156, G replaced by A.
Protein change: p.Arg719Gln; replaces arginine 719 with glutamine.
Molecular consequence: missense variant.
Genome position (GRCh38, 1-based): chr9:128,909,320, G>A. VCF-style: chr9-128909320-G-A. GRCh37 (hg19) VCF-style: chr9-131671599-G-A.
Other names: c.2156G>A, p.Arg719Gln (NM_001127244.2, NM_001127245.2); short protein forms R719Q.
Identifiers: ClinVar variation 2901551 (VCV002901551.4), dbSNP rs751956650, ClinGen allele CA5271000.
Genomic context (GRCh38, chr9:128,909,320, plus strand): 5'-TCCTCCCTGCCGACATCGGCCTCCTGCAGAACCTCCAGAACCTAGCCATCACGGCCAACC[G>A]GGTGAGTGGCCCGGCCACAGCTCTGCGTGTGGGCTGGCGGGTGGCCTGGCCAGGGCTTGT-3'
Protein context (NP_062540.2, residues 709-729): NLQNLAITAN[Arg719Gln]IETLPPELFQ